The following is an entry in ClinVar:

ClinVar aggregate classification (germline): Conflicting classifications of pathogenicity. Review status: criteria provided, conflicting classifications (1 of 4 stars). 4 submissions from 4 submitters: Uncertain significance (2); Likely benign (1). 1 of the submissions does not count toward it. Last evaluated 2025-10-14.

Conditions:
PIEZO1-related disorder. Also called: PIEZO1-related condition; PIEZO1-Related Disorders.
Inborn genetic diseases. Identifiers: MedGen C0950123, MeSH D030342.

Allele frequency attached by ClinVar (database versions not stated): gnomAD exomes 0.00008 and 0.00047; gnomAD 0.00010 and 0.00011; TOPMed 0.00029.
gnomAD v4.1: 129 of 1,550,200 alleles (0.0083%); highest among the groups gnomAD compares: Admixed American, 0.21%; 2 homozygotes.

Submissions (4):

Labcorp Genetics (formerly Invitae), Labcorp
Classification: Likely benign. Last evaluated: 2025-10-14. Review status: criteria provided, single submitter. Criteria: Invitae Variant Classification Sherloc (09022015). Collection method: clinical testing. Allele origin: germline.

Mayo Clinic Laboratories, Mayo Clinic
Classification: Uncertain significance. Last evaluated: 2025-07-25. Review status: criteria provided, single submitter. Criteria: ACMG Guidelines, 2015. Collection method: clinical testing. Allele origin: germline. Observed: 2 variant alleles.
Comment: BP4_moderate

Ambry Genetics
Classification: Uncertain significance for Inborn genetic diseases. Last evaluated: 2021-10-12. Review status: criteria provided, single submitter. Criteria: Ambry Variant Classification Scheme 2023. Collection method: clinical testing. Allele origin: germline.

PreventionGenetics, part of Exact Sciences
Classification: Likely benign for PIEZO1-related condition. Last evaluated: 2022-07-12. Review status: no assertion criteria provided. Collection method: clinical testing. Allele origin: germline. Not counted in ClinVar's aggregate classification.
Comment: This variant is classified as likely benign based on ACMG/AMP sequence variant interpretation guidelines (Richards et al. 2015 PMID: 25741868, with internal and published modifications).

NM_001142864.4(PIEZO1):c.1427C>T (p.Thr476Met)

Genes: HSALR1 (HSP90AB1 associated lncRNA 1; plus strand), PIEZO1 (piezo type mechanosensitive ion channel component 1 (Er blood group); minus strand). Cytogenetic location: 16q24.3.
Variant type: single nucleotide variant.
Coding change: c.1427C>T on transcript NM_001142864.4 (MANE Select); coding-DNA position 1427, C replaced by T.
Protein change: p.Thr476Met; replaces threonine 476 with methionine.
Molecular consequence: missense variant.
Genome position (GRCh38, 1-based): chr16:88,736,278, G>A on the plus strand (C>T on the coding strand, the complement: PIEZO1 is on the minus strand). VCF-style: chr16-88736278-G-A. GRCh37 (hg19) VCF-style: chr16-88802686-G-A.
Other names: p.Thr476Met; c.1427C>T (NM_001142864.2); short protein forms T476M.
Identifiers: ClinVar variation 739104 (VCV000739104.11), dbSNP rs766289147, ClinGen allele CA286432689.